The following is an entry in ClinVar:

NM_006416.5(SLC35A1):c.512A>G (p.Glu171Gly)

Gene: SLC35A1 (solute carrier family 35 member A1; plus strand). Cytogenetic location: 6q15.
Variant type: single nucleotide variant.
Coding change: c.512A>G on transcript NM_006416.5 (MANE Select); coding-DNA position 512, A replaced by G.
Protein change: p.Glu171Gly; replaces glutamic acid 171 with glycine.
Molecular consequence: missense variant.
Genome position (GRCh38, 1-based): chr6:87,506,386, A>G. VCF-style: chr6-87506386-A-G. GRCh37 (hg19) VCF-style: chr6-88216104-A-G.
Other names: c.512A>G, p.Glu171Gly (NM_001168398.2); short protein forms E171G.
Identifiers: ClinVar variation 976512 (VCV000976512.13), dbSNP rs146938059, ClinGen allele CA3915990.

ClinVar aggregate classification (germline): Likely benign. Review status: criteria provided, multiple submitters, no conflicts (2 of 4 stars). 3 submissions from 3 submitters: Likely benign (2). 1 of the submissions does not count toward it. Last evaluated 2024-10-28.

Conditions:
SLC35A1-congenital disorder of glycosylation. Also called: CDG IIf; SLC35A1-CDG; CONGENITAL DISORDER OF GLYCOSYLATION, TYPE IIf. Identifiers: Orphanet 238459, MedGen C1970344, MONDO:0011342, OMIM 603585.
SLC35A1-related disorder. Also called: SLC35A1-related condition.

Allele frequency attached by ClinVar (database versions not stated): ESP Exome Variant Server 0.00008; gnomAD 0.00008 and 0.00012; TOPMed 0.00020; gnomAD exomes 0.00023 and 0.00049; ExAC 0.00037.

Submissions (3):

Labcorp Genetics (formerly Invitae), Labcorp
Classification: Likely benign for SLC35A1-congenital disorder of glycosylation. Last evaluated: 2024-10-28. Review status: criteria provided, single submitter. Criteria: Invitae Variant Classification Sherloc (09022015). Collection method: clinical testing. Allele origin: germline.

Breakthrough Genomics
Classification: Likely benign. Review status: criteria provided, single submitter. Criteria: ACMG Guidelines, 2015. Collection method: not provided. Allele origin: germline. Inheritance: Autosomal recessive inheritance. Affected: yes.

PreventionGenetics, part of Exact Sciences
Classification: Likely benign for SLC35A1-related condition. Last evaluated: 2022-04-21. Review status: no assertion criteria provided. Collection method: clinical testing. Allele origin: germline. Not counted in ClinVar's aggregate classification.
Comment: This variant is classified as likely benign based on ACMG/AMP sequence variant interpretation guidelines (Richards et al. 2015 PMID: 25741868, with internal and published modifications).